The following is an entry in ClinVar:

NM_000444.6(PHEX):c.1847_1848del (p.Lys616fs)

Genes: PHEX (phosphate regulating endopeptidase X-linked; plus strand), PTCHD1-AS (PTCHD1 and PHEX antisense RNA; minus strand). Cytogenetic location: Xp22.11.
Variant type: Deletion.
Coding change: c.1847_1848del on transcript NM_000444.6 (MANE Select); coding-DNA positions 1847 to 1848, 2 bases deleted (AA; older notation c.1847_1848delAA).
Protein change: p.Lys616fs; shifts the reading frame from lysine 616.
Molecular consequence: frameshift variant.
Genome position (GRCh38, 1-based): chrX:22,221,691-22,221,692, AA deleted; deleting any 2 consecutive bases within chrX:22,221,689-22,221,692 gives the same sequence; the c. name uses the placement nearest the transcript's 3' end. VCF-style (leftmost placement, unchanged base first): chrX-22221688-CAA-C. GRCh37 (hg19) VCF-style: chrX-22239805-CAA-C.
Other names: c.1847_1848del, p.Lys616fs (NM_001282754.2); short protein forms K616fs.
Identifiers: ClinVar variation 1075790 (VCV001075790.9), dbSNP rs1935273502, ClinGen allele CA2499226585.

ClinVar aggregate classification (germline): Pathogenic (1 of 4 stars; one submission).

Submission:

Labcorp Genetics (formerly Invitae), Labcorp
Classification: Pathogenic. Last evaluated: 2020-01-15. Review status: criteria provided, single submitter. Criteria: Invitae Variant Classification Sherloc (09022015). Collection method: clinical testing. Allele origin: germline.
Comment: For these reasons, this variant has been classified as Pathogenic. Loss-of-function variants in PHEX are known to be pathogenic (PMID: 9097956, 9106524, 19219621). This variant has not been reported in the literature in individuals with PHEX-related conditions. This variant is not present in population databases (ExAC no frequency). This sequence change creates a premature translational stop signal (p.Lys616Metfs*4) in the PHEX gene. It is expected to result in an absent or disrupted protein product.

Literature cited by the submitters: PubMed 9097956; PubMed 9106524; PubMed 19219621.